The following is an entry in ClinVar:

NM_017739.4(POMGNT1):c.494A>G (p.Asn165Ser)

Genes: POMGNT1 (protein O-linked mannose N-acetylglucosaminyltransferase 1 (beta 1,2-); minus strand), TSPAN1 (tetraspanin 1; plus strand). Cytogenetic location: 1p34.1.
Variant type: single nucleotide variant.
Coding change: c.494A>G on transcript NM_017739.4 (MANE Select); coding-DNA position 494, A replaced by G.
Protein change: p.Asn165Ser; replaces asparagine 165 with serine.
Molecular consequence: missense variant.
Genome position (GRCh38, 1-based): chr1:46,195,851, T>C on the plus strand (A>G on the coding strand, the complement: POMGNT1 is on the minus strand). VCF-style: chr1-46195851-T-C. GRCh37 (hg19) VCF-style: chr1-46661523-T-C.
Other names: c.494A>G, p.Asn165Ser (NM_001243766.2, NM_001410783.1); c.428A>G, p.Asn143Ser (NM_001290129.3); c.65A>G, p.Asn22Ser (NM_001290130.2); short protein forms N143S, N165S, N22S.
Identifiers: ClinVar variation 2413538 (VCV002413538.8), dbSNP rs2525450333, ClinGen allele CA340188249.
Genomic context (GRCh38, chr1:46,195,851, plus strand): 5'-GTCAGGACAGAATAACTGACCTTGACAGTGCAGATGAGCACTCGGCCGGGCGCTACCATG[T>C]TGAGGAATAGCACCATGGCCTCATCCTCATGAGGTGAGTACGTGTCAAACACACGTTTTG-3'
Protein context (NP_060209.4, residues 155-175): HEDEAMVLFL[Asn165Ser]MVAPGRVLIC

ClinVar aggregate classification (germline): Uncertain significance (1 of 4 stars; one submission).

Conditions:
Muscular dystrophy-dystroglycanopathy (congenital with impaired intellectual development), type B, 3. Also called: Muscular dystrophy-dystroglycanopathy (congenital with intellectual disability), type B3; MUSCULAR DYSTROPHY, CONGENITAL, POMGNT1-RELATED. Identifiers: MedGen C3150412, MONDO:0013155, OMIM 613151.
Autosomal recessive limb-girdle muscular dystrophy type 2O. Also called: Limb-Girdle Muscular Dystrophy Type 3C; MUSCULAR DYSTROPHY-DYSTROGLYCANOPATHY (LIMB-GIRDLE), TYPE C, 3; MUSCULAR DYSTROPHY-DYSTROGLYCANOPATHY, LIMB-GIRDLE, POMGNT1-RELATED. Identifiers: Orphanet 206564, MedGen C3150417, MONDO:0013161, OMIM 613157.

Submission:

Labcorp Genetics (formerly Invitae), Labcorp
Classification: Uncertain significance for Autosomal recessive limb-girdle muscular dystrophy type 2O; Muscular dystrophy-dystroglycanopathy (congenital with impaired intellectual development), type B, 3. Last evaluated: 2023-08-04. Review status: criteria provided, single submitter. Criteria: Invitae Variant Classification Sherloc (09022015). Collection method: clinical testing. Allele origin: germline.
Comment: In summary, the available evidence is currently insufficient to determine the role of this variant in disease. Therefore, it has been classified as a Variant of Uncertain Significance. Advanced modeling of protein sequence and biophysical properties (such as structural, functional, and spatial information, amino acid conservation, physicochemical variation, residue mobility, and thermodynamic stability) performed at Invitae indicates that this missense variant is not expected to disrupt POMGNT1 protein function. ClinVar contains an entry for this variant (Variation ID: 2413538). This variant has not been reported in the literature in individuals affected with POMGNT1-related conditions. This variant is not present in population databases (gnomAD no frequency). This sequence change replaces asparagine, which is neutral and polar, with serine, which is neutral and polar, at codon 165 of the POMGNT1 protein (p.Asn165Ser).